The following is an entry in ClinVar:

ClinVar aggregate classification (germline): Likely pathogenic. Review status: criteria provided, multiple submitters, no conflicts (2 of 4 stars). 2 submissions from 2 submitters: Likely pathogenic (2). Last evaluated 2023-03-15.

Conditions:
Polycystic kidney disease 4 (PKD4). Also called: POLYCYSTIC KIDNEY AND HEPATIC DISEASE 1; POLYCYSTIC KIDNEY DISEASE, INFANTILE, TYPE I; Autosomal Recessive Polycystic Kidney Disease – PKHD1; POLYCYSTIC KIDNEY DISEASE 4 WITH OR WITHOUT POLYCYSTIC LIVER DISEASE; PKD3. Identifiers: MedGen C4540575, MONDO:0033004, OMIM 263200.
Autosomal recessive polycystic kidney disease (ARPKD). Also called: AR polycystic kidney disease. Identifiers: Orphanet 731, Orphanet 8378, MedGen C0085548, MeSH D017044, MONDO:0009889.

gnomAD v4.1: 1 of 1,613,428 alleles (0.000062%); highest among the groups gnomAD compares: Non-Finnish European, 0.000085%; no homozygotes.

Submissions (2):

Baylor Genetics
Classification: Likely pathogenic for Polycystic kidney disease 4. Last evaluated: 2023-03-15. Review status: criteria provided, single submitter. Criteria: ACMG Guidelines, 2015. Collection method: clinical testing. Allele origin: unknown.

Labcorp Genetics (formerly Invitae), Labcorp
Classification: Likely pathogenic for Autosomal recessive polycystic kidney disease. Last evaluated: 2022-03-15. Review status: criteria provided, single submitter. Criteria: Invitae Variant Classification Sherloc (09022015). Collection method: clinical testing. Allele origin: germline.
Comment: In summary, the currently available evidence indicates that the variant is pathogenic, but additional data are needed to prove that conclusively. Therefore, this variant has been classified as Likely Pathogenic. Algorithms developed to predict the effect of sequence changes on RNA splicing suggest that this variant may disrupt the consensus splice site. This variant has not been reported in the literature in individuals affected with PKHD1-related conditions. This variant is not present in population databases (gnomAD no frequency). This sequence change affects a donor splice site in intron 20 of the PKHD1 gene. It is expected to disrupt RNA splicing. Variants that disrupt the donor or acceptor splice site typically lead to a loss of protein function (PMID: 16199547), and loss-of-function variants in PKHD1 are known to be pathogenic (PMID: 19940839).

Literature cited by the submitters: PubMed 16199547 (cited by Labcorp Genetics (formerly Invitae), Labcorp); PubMed 19940839 (cited by Labcorp Genetics (formerly Invitae), Labcorp).

NM_138694.4(PKHD1):c.1964+2T>C

Gene: PKHD1 (PKHD1 ciliary IPT domain containing fibrocystin/polyductin; minus strand). Cytogenetic location: 6p12.2.
Variant type: single nucleotide variant.
Coding change: c.1964+2T>C on transcript NM_138694.4 (MANE Select); the canonical splice donor site of the intron after coding-DNA position 1964, T replaced by C.
Molecular consequence: splice donor variant.
Genome position (GRCh38, 1-based): chr6:52,054,036, A>G on the plus strand (T>C on the coding strand, the complement: PKHD1 is on the minus strand). VCF-style: chr6-52054036-A-G. GRCh37 (hg19) VCF-style: chr6-51918834-A-G.
Other names: c.1964+2T>C (NM_170724.3).
Identifiers: ClinVar variation 2112755 (VCV002112755.5), dbSNP rs1453646167, ClinGen allele CA364422497.
Genomic context (GRCh38, chr6:52,054,036, plus strand): 5'-CCAAAACAGTGAATCCTCCCAGCTGACTGAATTCCCACCACGCCTCCCCACCGATTAGCT[A>G]CCTCTCGGGGCTGGTCCTCGTGAGACTCCAGTCACAGGTGGTATTCTTTACCATGTTTTG-3'